The following is an entry in ClinVar:

ClinVar aggregate classification (germline): Uncertain significance (1 of 4 stars; one submission).

Submission:

GeneDx
Classification: Uncertain significance. Last evaluated: 2024-12-03. Review status: criteria provided, single submitter. Criteria: GeneDx Variant Classification Process June 2021. Collection method: clinical testing. Allele origin: germline. Affected: yes.
Comment: Not observed at significant frequency in large population cohorts (gnomAD); In silico analysis supports that this missense variant has a deleterious effect on protein structure/function; Has not been previously published as pathogenic or benign to our knowledge

NM_001375808.2(LPIN2):c.2188T>C (p.Phe730Leu)

Gene: LPIN2 (lipin 2; minus strand). Cytogenetic location: 18p11.31.
Variant type: single nucleotide variant.
Coding change: c.2188T>C on transcript NM_001375808.2 (MANE Select); coding-DNA position 2188, T replaced by C.
Protein change: p.Phe730Leu; replaces phenylalanine 730 with leucine.
Molecular consequence: missense variant.
Genome position (GRCh38, 1-based): chr18:2,922,186, A>G on the plus strand (T>C on the coding strand, the complement: LPIN2 is on the minus strand). VCF-style: chr18-2922186-A-G. GRCh37 (hg19) VCF-style: chr18-2922184-A-G.
Other names: c.2188T>C, p.Phe730Leu (NM_001375809.1, NM_014646.2); short protein forms F730L.
Identifiers: ClinVar variation 3901801 (VCV003901801.1).
Genomic context (GRCh38, chr18:2,922,186, plus strand): 5'-AGTGCAGGTAGCCACGGGTCATGTCGGCCATGCCGATGGCACGAGCCGAGCAGTACAGAA[A>G]CTTGTAGCCATTCCTGAAAGAAAACACACCCTGTTAGCCCACATGTTCTGGCTAAGGGAA-3'
Protein context (NP_001362737.1, residues 720-740): YHSINENGYK[Phe730Leu]LYCSARAIGM